The following is an entry in ClinVar:

ClinVar aggregate classification (germline): Likely benign. Review status: criteria provided, multiple submitters, no conflicts (2 of 4 stars). 3 submissions from 3 submitters: Likely benign (2). 1 of the submissions does not count toward it. Last evaluated 2025-06-14.

Conditions:
COL18A1-related disorder. Also called: COL18A1-related condition; COL18A1-related disorders.

Allele frequency attached by ClinVar (database versions not stated): gnomAD 0.00003; gnomAD exomes 0.00010 and 0.00025; ExAC 0.00024.

Submissions (3):

Labcorp Genetics (formerly Invitae), Labcorp
Classification: Likely benign. Last evaluated: 2025-06-14. Review status: criteria provided, single submitter. Criteria: Invitae Variant Classification Sherloc (09022015). Collection method: clinical testing. Allele origin: germline.

Blueprint Genetics
Classification: Likely benign. Last evaluated: 2020-03-31. Review status: criteria provided, single submitter. Criteria: ACMG Guidelines, 2015. Collection method: clinical testing. Allele origin: germline.

PreventionGenetics, part of Exact Sciences
Classification: Likely benign for COL18A1-related condition. Last evaluated: 2024-08-14. Review status: no assertion criteria provided. Collection method: clinical testing. Allele origin: germline. Not counted in ClinVar's aggregate classification.
Comment: This variant is classified as likely benign based on ACMG/AMP sequence variant interpretation guidelines (Richards et al. 2015 PMID: 25741868, with internal and published modifications).

NM_001379500.1(COL18A1):c.3127G>A (p.Val1043Met)

Genes: COL18A1 (collagen type XVIII alpha 1 chain; plus strand), SLC19A1 (solute carrier family 19 member 1; minus strand). Cytogenetic location: 21q22.3.
Variant type: single nucleotide variant.
Coding change: c.3127G>A on transcript NM_001379500.1 (MANE Select); coding-DNA position 3127, G replaced by A.
Protein change: p.Val1043Met; replaces valine 1043 with methionine.
Molecular consequence: missense variant.
Genome position (GRCh38, 1-based): chr21:45,505,877, G>A. VCF-style: chr21-45505877-G-A. GRCh37 (hg19) VCF-style: chr21-46925791-G-A.
Other names: c.3658G>A (NM_030582.3); c.3658G>A, p.Val1220Met (NM_030582.4); c.4363G>A, p.Val1455Met (NM_130444.3); short protein forms V1043M, V1220M, V1455M.
Identifiers: ClinVar variation 1643240 (VCV001643240.10), dbSNP rs777856492, ClinGen allele CA10067721.